The following is an entry in ClinVar:

ClinVar aggregate classification (germline): Uncertain significance (1 of 4 stars; one submission).

Conditions:
GTP cyclohydrolase I deficiency. Identifiers: MedGen C0268467, MONDO:0100184.
Dystonia 5 (DRD). Also called: DYSTONIA, PROGRESSIVE, WITH DIURNAL VARIATION; DYSTONIA-PARKINSONISM WITH DIURNAL FLUCTUATION; Dystonia, DOPA-responsive, with or without hyperphenylalaninemia; DYT-GCH1; GTP Cyclohydrolase 1-Deficient Dopa-Responsive Dystonia. Identifiers: Orphanet 98808, MedGen C1851920, MONDO:0007495, OMIM 128230.

Submission:

Labcorp Genetics (formerly Invitae), Labcorp
Classification: Uncertain significance for GTP cyclohydrolase I deficiency; Dystonia 5. Last evaluated: 2023-11-11. Review status: criteria provided, single submitter. Criteria: Invitae Variant Classification Sherloc (09022015). Collection method: clinical testing. Allele origin: germline.
Comment: This sequence change replaces threonine, which is neutral and polar, with alanine, which is neutral and non-polar, at codon 94 of the GCH1 protein (p.Thr94Ala). This variant is not present in population databases (gnomAD no frequency). This variant has not been reported in the literature in individuals affected with GCH1-related conditions. Advanced modeling of protein sequence and biophysical properties (such as structural, functional, and spatial information, amino acid conservation, physicochemical variation, residue mobility, and thermodynamic stability) performed at Invitae indicates that this missense variant is expected to disrupt GCH1 protein function with a positive predictive value of 80%. This variant disrupts the p.Thr94 amino acid residue in GCH1. Other variant(s) that disrupt this residue have been determined to be pathogenic (PMID: 10457396, 15753436, 23211702; Invitae). This suggests that this residue is clinically significant, and that variants that disrupt this residue are likely to be disease-causing. In summary, the available evidence is currently insufficient to determine the role of this variant in disease. Therefore, it has been classified as a Variant of Uncertain Significance.

Literature cited by the submitters: PubMed 10457396; PubMed 15753436; PubMed 23211702.

NM_000161.3(GCH1):c.280A>G (p.Thr94Ala)

Gene: GCH1 (GTP cyclohydrolase 1; minus strand). Cytogenetic location: 14q22.2.
Variant type: single nucleotide variant.
Coding change: c.280A>G on transcript NM_000161.3 (MANE Select); coding-DNA position 280, A replaced by G.
Protein change: p.Thr94Ala; replaces threonine 94 with alanine.
Molecular consequence: missense variant.
Genome position (GRCh38, 1-based): chr14:54,902,384, T>C on the plus strand (A>G on the coding strand, the complement: GCH1 is on the minus strand). VCF-style: chr14-54902384-T-C. GRCh37 (hg19) VCF-style: chr14-55369102-T-C.
Other names: c.280A>G, p.Thr94Ala (NM_001024024.2, NM_001024070.2, NM_001024071.2 and 1 more transcripts); short protein forms T94A.
Identifiers: ClinVar variation 2953790 (VCV002953790.3), dbSNP rs2504539278, ClinGen allele CA389793688.